The following is an entry in ClinVar:

NM_002474.3(MYH11):c.5584C>T (p.Arg1862Cys)

Genes: MYH11 (myosin heavy chain 11; minus strand), NDE1 (nudE neurodevelopment protein 1; plus strand). Cytogenetic location: 16p13.11.
Variant type: single nucleotide variant.
Coding change: c.5584C>T on transcript NM_002474.3 (MANE Select); coding-DNA position 5584, C replaced by T.
Protein change: p.Arg1862Cys; replaces arginine 1862 with cysteine.
Molecular consequence: missense variant. On other transcripts: intron variant (2).
Genome position (GRCh38, 1-based): chr16:15,715,193, G>A on the plus strand (C>T on the coding strand, the complement: MYH11 is on the minus strand). VCF-style: chr16-15715193-G-A. GRCh37 (hg19) VCF-style: chr16-15809050-G-A.
Other names: c.5605C>T, p.Arg1869Cys (NM_001040113.2, NM_001040114.2); c.5584C>T, p.Arg1862Cys (NM_022844.3); c.948-8998G>A (NM_001143979.2, NM_017668.3); c.5584C>T (NM_002474.2); short protein forms R1869C, R1862C.
Identifiers: ClinVar variation 927691 (VCV000927691.11), dbSNP rs757542362, ClinGen allele CA7921216.
Genomic context (GRCh38, chr16:15,715,193, plus strand): 5'-GGCTCGAGGGAGGCTGGGTGGCAGGGGCTACCTGCTCCTTGTACTGCTCGGCCATCTTGC[G>A]CTCGTCCTCCACCTGCAGCAAGATTTCCTTCAGCTTCTTGTCTTTCTGCTTCAGCGACTT-3'
Protein context (NP_002465.1, residues 1852-1872): KEILLQVEDE[Arg1862Cys]KMAEQYKEQA

ClinVar aggregate classification (germline): Uncertain significance. Review status: criteria provided, multiple submitters, no conflicts (2 of 4 stars). 6 submissions from 6 submitters: Uncertain significance (6). Last evaluated 2026-01-27.

Conditions:
Familial thoracic aortic aneurysm and aortic dissection (TAAD). Also called: Thoracic aortic aneurysms and dissections. Identifiers: Orphanet 91387, MedGen C4707243, MONDO:0019625.
Aortic aneurysm, familial thoracic 4 (AAT4). Also called: AORTIC ANEURYSM/AORTIC DISSECTION AND PATENT DUCTUS ARTERIOSUS. Identifiers: MedGen C1851504, MONDO:0007568, OMIM 132900.
Visceral myopathy 2. Identifiers: MedGen C5543466, MONDO:0859157, OMIM 619350.
Megacystis-microcolon-intestinal hypoperistalsis syndrome 2. Identifiers: MedGen C5543476, MONDO:0025708, OMIM 619351.

Allele frequency attached by ClinVar (database versions not stated): gnomAD 0.00001 and 0.00002; ExAC 0.00002; gnomAD exomes 0.00002 and 0.00004; TOPMed 0.00002.
gnomAD v4.1: 32 of 1,613,826 alleles (0.002%); highest among the groups gnomAD compares: African/African-American, 0.0013%; no homozygotes.

Submissions (6):

Labcorp Genetics (formerly Invitae), Labcorp
Classification: Uncertain significance for Aortic aneurysm, familial thoracic 4. Last evaluated: 2026-01-27. Review status: criteria provided, single submitter. Criteria: Invitae Variant Classification Sherloc (09022015). Collection method: clinical testing. Allele origin: germline.
Comment: This sequence change replaces arginine, which is basic and polar, with cysteine, which is neutral and slightly polar, at codon 1869 of the MYH11 protein (p.Arg1869Cys). This variant is present in population databases (rs757542362, gnomAD 0.04%). This variant has not been reported in the literature in individuals affected with MYH11-related conditions. ClinVar contains an entry for this variant (Variation ID: 927691). Invitae Evidence Modeling of protein sequence and biophysical properties (such as structural, functional, and spatial information, amino acid conservation, physicochemical variation, residue mobility, and thermodynamic stability) indicates that this missense variant is not expected to disrupt MYH11 protein function with a negative predictive value of 80%. In summary, the available evidence is currently insufficient to determine the role of this variant in disease. Therefore, it has been classified as a Variant of Uncertain Significance.

Color Diagnostics, LLC DBA Color Health
Classification: Uncertain significance for Familial thoracic aortic aneurysm and aortic dissection. Last evaluated: 2024-03-07. Review status: criteria provided, single submitter. Criteria: ACMG Guidelines, 2015. Collection method: clinical testing. Allele origin: germline.
Comment: This missense variant replaces arginine with cysteine at codon 1869 of the MYH11 protein. Computational prediction suggests that this variant may have deleterious impact on protein structure and function (internally defined REVEL score threshold >= 0.7, PMID: 27666373). To our knowledge, functional studies have not been reported for this variant. This variant has not been reported in individuals affected with cardiovascular disorders in the literature. This variant has been identified in 10/251332 chromosomes in the general population by the Genome Aggregation Database (gnomAD). The available evidence is insufficient to determine the role of this variant in disease conclusively. Therefore, this variant is classified as a Variant of Uncertain Significance.

All of Us Research Program, National Institutes of Health
Classification: Uncertain significance for Familial thoracic aortic aneurysm and aortic dissection. Last evaluated: 2023-12-01. Review status: criteria provided, single submitter. Criteria: ACMG Guidelines, 2015. Collection method: clinical testing. Allele origin: germline. Inheritance: Autosomal dominant inheritance. Observed: 7 variant alleles, 7 heterozygotes.
Comment: This missense variant replaces arginine with cysteine at codon 1869 of the MYH11 protein. Computational prediction suggests that this variant may have deleterious impact on protein structure and function (internally defined REVEL score threshold >= 0.7, PMID: 27666373). To our knowledge, functional studies have not been reported for this variant. This variant has not been reported in individuals affected with cardiovascular disorders in the literature. This variant has been identified in 10/251332 chromosomes in the general population by the Genome Aggregation Database (gnomAD). The available evidence is insufficient to determine the role of this variant in disease conclusively. Therefore, this variant is classified as a Variant of Uncertain Significance.

This study involves interpretation of variants in research participants for the purpose of population health screening. Participant phenotype was not available at the time of variant classification. Additional details can be found in publication PMID: 35346344, PMCID: PMC8962531

KardioGenetik, Herz- und Diabeteszentrum NRW
Classification: Uncertain significance for Aortic aneurysm, familial thoracic 4. Last evaluated: 2023-11-15. Review status: criteria provided, single submitter. Criteria: ACMG Guidelines, 2015. Collection method: clinical testing. Allele origin: unknown. Observed: 1 variant allele.

Ambry Genetics
Classification: Uncertain significance for Familial thoracic aortic aneurysm and aortic dissection. Last evaluated: 2023-11-06. Review status: criteria provided, single submitter. Criteria: Ambry Variant Classification Scheme 2023. Collection method: clinical testing. Allele origin: germline.
Comment: The p.R1862C variant (also known as c.5584C>T), located in coding exon 38 of the MYH11 gene, results from a C to T substitution at nucleotide position 5584. The arginine at codon 1862 is replaced by cysteine, an amino acid with highly dissimilar properties. This amino acid position is conserved. In addition, the in silico prediction for this alteration is inconclusive. Since supporting evidence is limited at this time, the clinical significance of this alteration remains unclear.

Fulgent Genetics
Classification: Uncertain significance for Aortic aneurysm, familial thoracic 4; Visceral myopathy 2; Megacystis-microcolon-intestinal hypoperistalsis syndrome 2. Last evaluated: 2021-11-02. Review status: criteria provided, single submitter. Criteria: ACMG Guidelines, 2015. Collection method: clinical testing. Allele origin: unknown.